The following is an entry in ClinVar:

ClinVar aggregate classification (germline): Benign (0 of 4 stars; one submission).

Conditions:
IL4R-related disorder. Also called: IL4R-related condition.

Allele frequency attached by ClinVar (database versions not stated): gnomAD exomes 0.04867; ExAC 0.07253; ESP Exome Variant Server 0.08732; gnomAD 0.09048; TOPMed 0.09765; 1000 Genomes Project 0.11961; 1000 Genomes Project 30x 0.12352.
gnomAD v4.1: 84,207 of 1,596,006 alleles (5.3%); highest among the groups gnomAD compares: African/African-American, 19%; 3,385 homozygotes.

Submission:

PreventionGenetics, part of Exact Sciences
Classification: Benign for IL4R-related condition. Last evaluated: 2019-10-21. Review status: no assertion criteria provided. Collection method: clinical testing. Allele origin: germline.
Comment: This variant is classified as benign based on ACMG/AMP sequence variant interpretation guidelines (Richards et al. 2015 PMID: 25741868, with internal and published modifications).

NM_000418.4(IL4R):c.*6T>C

Gene: IL4R (interleukin 4 receptor; plus strand). Cytogenetic location: 16p12.1.
Variant type: single nucleotide variant.
Coding change: c.*6T>C on transcript NM_000418.4 (MANE Select); 6 bases downstream of the stop codon, T replaced by C.
Molecular consequence: 3 prime UTR variant.
Genome position (GRCh38, 1-based): chr16:27,363,836, T>C. VCF-style: chr16-27363836-T-C. GRCh37 (hg19) VCF-style: chr16-27375157-T-C.
Other names: c.*6T>C (NM_001257406.2, NM_001257407.2, NM_001257997.2).
Identifiers: ClinVar variation 3059990 (VCV003059990.2), dbSNP rs2074570, ClinGen allele CA7974768.